The following is an entry in ClinVar:

ClinVar aggregate classification (germline): Likely benign. Review status: criteria provided, multiple submitters, no conflicts (2 of 4 stars). 2 submissions from 2 submitters: Likely benign (2). Last evaluated 2025-09-20.

Conditions:
RAI1-related disorder. Also called: RAI1-related condition.

gnomAD v4.1: 2 of 1,613,210 alleles (0.00012%); highest among the groups gnomAD compares: Non-Finnish European, 0.000085%; no homozygotes.

Submissions (2):

PreventionGenetics, part of Exact Sciences
Classification: Likely benign for RAI1-related condition. Last evaluated: 2025-09-20. Review status: criteria provided, single submitter. Criteria: ACMG Guidelines, 2015. Collection method: clinical testing. Allele origin: germline.
Comment: This variant is classified as likely benign based on ACMG/AMP sequence variant interpretation guidelines (Richards et al. 2015 PMID: 25741868, with internal and published modifications).

Labcorp Genetics (formerly Invitae), Labcorp
Classification: Likely benign. Last evaluated: 2021-11-13. Review status: criteria provided, single submitter. Criteria: Invitae Variant Classification Sherloc (09022015). Collection method: clinical testing. Allele origin: germline.

NM_030665.4(RAI1):c.228C>T (p.Asp76=)

Gene: RAI1 (retinoic acid induced 1; plus strand). Cytogenetic location: 17p11.2.
Variant type: single nucleotide variant.
Coding change: c.228C>T on transcript NM_030665.4 (MANE Select); coding-DNA position 228, C replaced by T.
Protein change: p.Asp76=; no amino-acid change (aspartic acid 76 retained).
Molecular consequence: synonymous variant.
Genome position (GRCh38, 1-based): chr17:17,793,176, C>T. VCF-style: chr17-17793176-C-T. GRCh37 (hg19) VCF-style: chr17-17696490-C-T.
Other names: c.228C>T (NM_030665.3).
Identifiers: ClinVar variation 1668312 (VCV001668312.9), dbSNP rs764464100, ClinGen allele CA498422500.